The following is an entry in ClinVar:

ClinVar aggregate classification (germline): Benign (1 of 4 stars; one submission).

Conditions:
Sessile serrated polyposis cancer syndrome (SSPCS). Identifiers: Orphanet 157798, MedGen C4310714, MONDO:0014919, OMIM 617108.

Submission:

Myriad Genetics, Inc.
Classification: Benign for Sessile serrated polyposis cancer syndrome. Last evaluated: 2026-06-29. Review status: criteria provided, single submitter. Criteria: Myriad Autosomal Dominant, Autosomal Recessive and X-Linked Classification Criteria (2023). Collection method: clinical testing. Allele origin: unknown.
Comment: This variant is considered benign. This variant is a silent/synonymous amino acid change and it is not expected to impact splicing.

NM_017763.6(RNF43):c.327G>A (p.Leu109=)

Gene: RNF43 (ring finger protein 43; minus strand). Cytogenetic location: 17q22.
Variant type: single nucleotide variant.
Coding change: c.327G>A on transcript NM_017763.6 (MANE Select); coding-DNA position 327, G replaced by A.
Protein change: p.Leu109=; no amino-acid change (leucine 109 retained).
Molecular consequence: synonymous variant. On other transcripts: 5 prime UTR variant (2).
Genome position (GRCh38, 1-based): chr17:58,370,959, C>T on the plus strand (G>A on the coding strand, the complement: RNF43 is on the minus strand). VCF-style: chr17-58370959-C-T. GRCh37 (hg19) VCF-style: chr17-56448320-C-T.
Other names: c.327G>A, p.Leu109= (NM_001438821.1, NM_001438822.1, NM_001305544.3 and 1 more transcripts); c.-55G>A (NM_001305545.2, NM_001437987.1).
Identifiers: ClinVar variation 4875797 (VCV004875797.1).